The following is an entry in ClinVar:

ClinVar aggregate classification (germline): Likely benign. Review status: criteria provided, multiple submitters, no conflicts (2 of 4 stars). 2 submissions from 2 submitters: Likely benign (2). Last evaluated 2026-02-18.

Conditions:
KMT2D-related disorder. Also called: KMT2D-Related Disorders.

gnomAD v4.1: 1 of 1,613,982 alleles (0.000062%); highest among the groups gnomAD compares: Non-Finnish European, 0.000085%; no homozygotes.

Submissions (2):

PreventionGenetics, part of Exact Sciences
Classification: Likely benign for KMT2D-related condition. Last evaluated: 2026-02-18. Review status: criteria provided, single submitter. Criteria: ACMG Guidelines, 2015. Collection method: clinical testing. Allele origin: germline.
Comment: This variant is classified as likely benign based on ACMG/AMP sequence variant interpretation guidelines (Richards et al. 2015 PMID: 25741868, with internal and published modifications).

CeGaT Center for Human Genetics Tuebingen
Classification: Likely benign. Last evaluated: 2025-03-01. Review status: criteria provided, single submitter. Criteria: CeGaT Center For Human Genetics Tuebingen Variant Classification Criteria Version 2. Collection method: clinical testing. Allele origin: germline. Affected: yes. Observed: 1 variant allele.
Comment: KMT2D: BP4, BP7

NM_003482.4(KMT2D):c.5715G>A (p.Gln1905=)

Gene: KMT2D (lysine methyltransferase 2D; minus strand). Cytogenetic location: 12q13.12.
Variant type: single nucleotide variant.
Coding change: c.5715G>A on transcript NM_003482.4 (MANE Select); coding-DNA position 5715, G replaced by A.
Protein change: p.Gln1905=; no amino-acid change (glutamine 1905 retained).
Molecular consequence: synonymous variant.
Genome position (GRCh38, 1-based): chr12:49,042,808, C>T on the plus strand (G>A on the coding strand, the complement: KMT2D is on the minus strand). VCF-style: chr12-49042808-C-T. GRCh37 (hg19) VCF-style: chr12-49436591-C-T.
Identifiers: ClinVar variation 3778515 (VCV003778515.8).
Genomic context (GRCh38, chr12:49,042,808, plus strand): 5'-AAAGGGCCTCTGCAGTGGCGTACGGCTGCCTTCTAGGCCAGGGGTTCCACAACCCAGATG[C>T]TGTTCTCGTTCAGAGCCCAGAACATCCTTGAAGAGCTGCTGCAGGTCCTTGGATTCCATC-3'
Protein context (NP_003473.3, residues 1895-1915): FKDVLGSERE[Gln1905=]HLGCGTPGLE